The following is an entry in ClinVar:

ClinVar aggregate classification (germline): Uncertain significance (1 of 4 stars; one submission).

Conditions:
Hereditary cancer-predisposing syndrome. Also called: Neoplastic Syndromes, Hereditary; Tumor predisposition; Hereditary neoplastic syndrome; Hereditary Cancer Syndrome. Identifiers: Orphanet 140162, MedGen C0027672, MeSH D009386, MONDO:0015356.

Submission:

Ambry Genetics
Classification: Uncertain significance for Hereditary cancer-predisposing syndrome. Last evaluated: 2023-10-25. Review status: criteria provided, single submitter. Criteria: Ambry Variant Classification Scheme 2023. Collection method: clinical testing. Allele origin: germline.
Comment: The p.C121W variant (also known as c.363T>G), located in coding exon 2 of the CHEK2 gene, results from a T to G substitution at nucleotide position 363. The cysteine at codon 121 is replaced by tryptophan, an amino acid with highly dissimilar properties. This amino acid position is highly conserved in available vertebrate species. In addition, this alteration is predicted to be deleterious by in silico analysis. Since supporting evidence is limited at this time, the clinical significance of this alteration remains unclear.

NM_007194.4(CHEK2):c.363T>G (p.Cys121Trp)

Gene: CHEK2 (checkpoint kinase 2; minus strand). Cytogenetic location: 22q12.1.
Variant type: single nucleotide variant.
Coding change: c.363T>G on transcript NM_007194.4 (MANE Select); coding-DNA position 363, T replaced by G.
Protein change: p.Cys121Trp; replaces cysteine 121 with tryptophan.
Molecular consequence: missense variant.
Genome position (GRCh38, 1-based): chr22:28,725,324, A>C on the plus strand (T>G on the coding strand, the complement: CHEK2 is on the minus strand). VCF-style: chr22-28725324-A-C. GRCh37 (hg19) VCF-style: chr22-29121312-A-C.
Other names: c.492T>G, p.Cys164Trp (NM_001005735.3); c.-415T>G (NM_001257387.3); c.363T>G, p.Cys121Trp (NM_001349956.3, NM_145862.3); short protein forms C121W, C164W.
Identifiers: ClinVar variation 3226035 (VCV003226035.1), dbSNP rs1209379774, ClinGen allele CA411108143.